The following is an entry in ClinVar:

NM_001379500.1(COL18A1):c.613G>C (p.Val205Leu)

Gene: COL18A1 (collagen type XVIII alpha 1 chain; plus strand). Cytogenetic location: 21q22.3.
Variant type: single nucleotide variant.
Coding change: c.613G>C on transcript NM_001379500.1 (MANE Select); coding-DNA position 613, G replaced by C.
Protein change: p.Val205Leu; replaces valine 205 with leucine.
Molecular consequence: missense variant.
Genome position (GRCh38, 1-based): chr21:45,468,748, G>C. VCF-style: chr21-45468748-G-C. GRCh37 (hg19) VCF-style: chr21-46888662-G-C.
Other names: c.1153G>C, p.Val385Leu (NM_030582.4); c.1858G>C, p.Val620Leu (NM_130444.3); short protein forms V205L, V385L, V620L.
Identifiers: ClinVar variation 3061556 (VCV003061556.2), dbSNP rs201116208, ClinGen allele CA410512397.

ClinVar aggregate classification (germline): Uncertain significance (0 of 4 stars; one submission).

Conditions:
COL18A1-related disorder. Also called: COL18A1-related condition; COL18A1-related disorders.

gnomAD v4.1: 5 of 1,608,424 alleles (0.00031%); highest among the groups gnomAD compares: Non-Finnish European, 0.00042%; no homozygotes.

Submission:

PreventionGenetics, part of Exact Sciences
Classification: Uncertain significance for COL18A1-related condition. Last evaluated: 2023-11-15. Review status: no assertion criteria provided. Collection method: clinical testing. Allele origin: germline.
Comment: The COL18A1 c.1153G>C variant is predicted to result in the amino acid substitution p.Val385Leu. To our knowledge, this variant has not been reported in the literature or in a large population database, indicating this variant is rare. At this time, the clinical significance of this variant is uncertain due to the absence of conclusive functional and genetic evidence.